The following is an entry in ClinVar:

ClinVar aggregate classification (germline): Likely benign. Review status: criteria provided, single submitter (1 of 4 stars). 2 submissions from 2 submitters: Likely benign (1). 1 of the submissions does not count toward it. Last evaluated 2026-01-01.

Conditions:
NCR3-related disorder. Also called: NCR3-related condition.

Allele frequency attached by ClinVar (database versions not stated): gnomAD 0.00018; 1000 Genomes Project 0.00020; gnomAD exomes 0.00022; ExAC 0.00033; 1000 Genomes Project 30x 0.00047.
gnomAD v4.1: 353 of 1,595,376 alleles (0.022%); highest among the groups gnomAD compares: Middle Eastern, 0.42%; 2 homozygotes.

Submissions (2):

CeGaT Center for Human Genetics Tuebingen
Classification: Likely benign. Last evaluated: 2026-01-01. Review status: criteria provided, single submitter. Criteria: CeGaT Center For Human Genetics Tuebingen Variant Classification Criteria Version 2. Collection method: clinical testing. Allele origin: germline. Affected: yes. Observed: 2 variant alleles.
Comment: NCR3: BP4

PreventionGenetics, part of Exact Sciences
Classification: Likely benign for NCR3-related condition. Last evaluated: 2019-06-05. Review status: no assertion criteria provided. Collection method: clinical testing. Allele origin: germline. Not counted in ClinVar's aggregate classification.
Comment: This variant is classified as likely benign based on ACMG/AMP sequence variant interpretation guidelines (Richards et al. 2015 PMID: 25741868, with internal and published modifications).

NM_147130.3(NCR3):c.44-8G>A

Gene: NCR3 (natural cytotoxicity triggering receptor 3; minus strand). Cytogenetic location: 6p21.33.
Variant type: single nucleotide variant.
Coding change: c.44-8G>A on transcript NM_147130.3 (MANE Select); 8 bases into the intron before coding-DNA position 44, G replaced by A.
Molecular consequence: intron variant.
Genome position (GRCh38, 1-based): chr6:31,590,134, C>T on the plus strand (G>A on the coding strand, the complement: NCR3 is on the minus strand). VCF-style: chr6-31590134-C-T. GRCh37 (hg19) VCF-style: chr6-31557911-C-T.
Other names: c.44-8G>A (NM_147130.2, NM_001145466.2, NM_001145467.2).
Identifiers: ClinVar variation 2656404 (VCV002656404.25), dbSNP rs533711631, ClinGen allele CA3714679.